The following is an entry in ClinVar:

ClinVar aggregate classification (germline): Uncertain significance (1 of 4 stars; one submission).

Conditions:
KBG syndrome (KBGS). Also called: ANKRD11-Related KBG Syndrome. Identifiers: Orphanet 2332, MedGen C0220687, MONDO:0007846, OMIM 148050.

Allele frequency attached by ClinVar (database versions not stated): gnomAD exomes below 0.00001; ExAC 0.00001.
gnomAD v4.1: 2 of 1,614,022 alleles (0.00012%); highest among the groups gnomAD compares: Admixed American, 0.0017%; no homozygotes.

Submission:

Labcorp Genetics (formerly Invitae), Labcorp
Classification: Uncertain significance for KBG syndrome. Last evaluated: 2023-05-29. Review status: criteria provided, single submitter. Criteria: Invitae Variant Classification Sherloc (09022015). Collection method: clinical testing. Allele origin: germline.
Comment: This sequence change replaces arginine, which is basic and polar, with glycine, which is neutral and non-polar, at codon 1145 of the ANKRD11 protein (p.Arg1145Gly). This variant is present in population databases (rs777867963, gnomAD 0.003%). In summary, the available evidence is currently insufficient to determine the role of this variant in disease. Therefore, it has been classified as a Variant of Uncertain Significance. Advanced modeling of protein sequence and biophysical properties (such as structural, functional, and spatial information, amino acid conservation, physicochemical variation, residue mobility, and thermodynamic stability) performed at Invitae indicates that this missense variant is not expected to disrupt ANKRD11 protein function. This variant has not been reported in the literature in individuals affected with ANKRD11-related conditions.

NM_013275.6(ANKRD11):c.3433A>G (p.Arg1145Gly)

Gene: ANKRD11 (ankyrin repeat domain 11; minus strand). Cytogenetic location: 16q24.3.
Variant type: single nucleotide variant.
Coding change: c.3433A>G on transcript NM_013275.6 (MANE Select); coding-DNA position 3433, A replaced by G.
Protein change: p.Arg1145Gly; replaces arginine 1145 with glycine.
Molecular consequence: missense variant.
Genome position (GRCh38, 1-based): chr16:89,283,109, T>C on the plus strand (A>G on the coding strand, the complement: ANKRD11 is on the minus strand). VCF-style: chr16-89283109-T-C. GRCh37 (hg19) VCF-style: chr16-89349517-T-C.
Other names: c.3433A>G, p.Arg1145Gly (NM_001256182.2, NM_001256183.2); short protein forms R1145G.
Identifiers: ClinVar variation 2907813 (VCV002907813.3), dbSNP rs777867963, ClinGen allele CA8242363.